The following is an entry in ClinVar:

ClinVar aggregate classification (germline): Uncertain significance (1 of 4 stars; one submission).

Allele frequency attached by ClinVar (database versions not stated): gnomAD exomes below 0.00001.
gnomAD v4.1: 1 of 1,564,100 alleles (0.000064%); highest among the groups gnomAD compares: Admixed American, 0.0017%; no homozygotes.

Submission:

Labcorp Genetics (formerly Invitae), Labcorp
Classification: Uncertain significance. Last evaluated: 2023-10-09. Review status: criteria provided, single submitter. Criteria: Invitae Variant Classification Sherloc (09022015). Collection method: clinical testing. Allele origin: germline.
Comment: This sequence change replaces aspartic acid, which is acidic and polar, with glycine, which is neutral and non-polar, at codon 175 of the GMNN protein (p.Asp175Gly). The frequency data for this variant in the population databases is considered unreliable, as metrics indicate poor data quality at this position in the gnomAD database. This variant has not been reported in the literature in individuals affected with GMNN-related conditions. An algorithm developed to predict the effect of missense changes on protein structure and function (PolyPhen-2) suggests that this variant is likely to be disruptive. In summary, the available evidence is currently insufficient to determine the role of this variant in disease. Therefore, it has been classified as a Variant of Uncertain Significance.

NM_015895.5(GMNN):c.524A>G (p.Asp175Gly)

Gene: GMNN (geminin DNA replication inhibitor; plus strand). Cytogenetic location: 6p22.3.
Variant type: single nucleotide variant.
Coding change: c.524A>G on transcript NM_015895.5 (MANE Select); coding-DNA position 524, A replaced by G.
Protein change: p.Asp175Gly; replaces aspartic acid 175 with glycine.
Molecular consequence: missense variant.
Genome position (GRCh38, 1-based): chr6:24,785,693, A>G. VCF-style: chr6-24785693-A-G. GRCh37 (hg19) VCF-style: chr6-24785921-A-G.
Other names: c.524A>G, p.Asp175Gly (NM_001251989.2, NM_001251990.2, NM_001251991.1); short protein forms D175G.
Identifiers: ClinVar variation 3007259 (VCV003007259.3), dbSNP rs1196862808, ClinGen allele CA362991818.
Genomic context (GRCh38, chr6:24,785,693, plus strand): 5'-AAAAGAGACTGAATGGTGAACCTCTGGATAATTTTGAATCACTGGATAATCAGGAATTTG[A>G]TTCTGAAGAAGAAACTGTTGAGGATTCTCTAGTGGAAGACTCAGAAATTGGCACGTGTGC-3'
Protein context (NP_056979.1, residues 165-185): NFESLDNQEF[Asp175Gly]SEEETVEDSL